The following is an entry in ClinVar:

NM_000548.5(TSC2):c.2924T>C (p.Phe975Ser)

Gene: TSC2 (TSC complex subunit 2; plus strand). Cytogenetic location: 16p13.3.
Variant type: single nucleotide variant.
Coding change: c.2924T>C on transcript NM_000548.5 (MANE Select); coding-DNA position 2924, T replaced by C.
Protein change: p.Phe975Ser; replaces phenylalanine 975 with serine.
Molecular consequence: missense variant. On other transcripts: intron variant (9).
Genome position (GRCh38, 1-based): chr16:2,077,684, T>C. VCF-style: chr16-2077684-T-C. GRCh37 (hg19) VCF-style: chr16-2127685-T-C.
Other names: c.2924T>C, p.Phe975Ser (NM_001114382.3); c.2837+1099T>C (NM_021055.3, NM_001370405.1, NM_001363528.2 and 2 more transcripts); c.2726+1099T>C (NM_001318827.2); c.2237+1099T>C (NM_001318831.2); c.2690+1099T>C (NM_001318829.2); c.2870+1099T>C (NM_001318832.2); short protein forms F975S.
Identifiers: ClinVar variation 1511333 (VCV001511333.11), dbSNP rs2151415659, ClinGen allele CA394281347.

ClinVar aggregate classification (germline): Uncertain significance. Review status: criteria provided, multiple submitters, no conflicts (2 of 4 stars). 2 submissions from 2 submitters: Uncertain significance (2). Last evaluated 2025-05-06.

Conditions:
Hereditary cancer-predisposing syndrome. Also called: Neoplastic Syndromes, Hereditary; Hereditary Cancer Syndrome; Tumor predisposition; Hereditary neoplastic syndrome. Identifiers: Orphanet 140162, MedGen C0027672, MeSH D009386, MONDO:0015356.
Tuberous sclerosis 2 (TSC2). Identifiers: Orphanet 805, MedGen C1860707, MONDO:0013199, OMIM 613254.

Submissions (2):

Ambry Genetics
Classification: Uncertain significance for Hereditary cancer-predisposing syndrome. Last evaluated: 2025-05-06. Review status: criteria provided, single submitter. Criteria: Ambry Variant Classification Scheme 2023. Collection method: clinical testing. Allele origin: germline.
Comment: The p.F975S variant (also known as c.2924T>C), located in coding exon 25 of the TSC2 gene, results from a T to C substitution at nucleotide position 2924. The phenylalanine at codon 975 is replaced by serine, an amino acid with highly dissimilar properties. This amino acid position is highly conserved in available vertebrate species. In addition, this alteration is predicted to be deleterious by in silico analysis. Based on the available evidence, the clinical significance of this variant remains unclear.

Labcorp Genetics (formerly Invitae), Labcorp
Classification: Uncertain significance for Tuberous sclerosis 2. Last evaluated: 2024-04-05. Review status: criteria provided, single submitter. Criteria: Invitae Variant Classification Sherloc (09022015). Collection method: clinical testing. Allele origin: germline.
Comment: This sequence change replaces phenylalanine, which is neutral and non-polar, with serine, which is neutral and polar, at codon 975 of the TSC2 protein (p.Phe975Ser). This variant is not present in population databases (gnomAD no frequency). This variant has not been reported in the literature in individuals affected with TSC2-related conditions. ClinVar contains an entry for this variant (Variation ID: 1511333). Advanced modeling of protein sequence and biophysical properties (such as structural, functional, and spatial information, amino acid conservation, physicochemical variation, residue mobility, and thermodynamic stability) performed at Invitae indicates that this missense variant is not expected to disrupt TSC2 protein function with a negative predictive value of 95%. In summary, the available evidence is currently insufficient to determine the role of this variant in disease. Therefore, it has been classified as a Variant of Uncertain Significance.